The following is an entry in ClinVar:

NM_002693.3(POLG):c.2480+17G>A

Gene: POLG (DNA polymerase gamma, catalytic subunit; minus strand). Cytogenetic location: 15q26.1.
Variant type: single nucleotide variant.
Coding change: c.2480+17G>A on transcript NM_002693.3 (MANE Select); 17 bases into the intron after coding-DNA position 2480, G replaced by A.
Molecular consequence: intron variant.
Genome position (GRCh38, 1-based): chr15:89,321,945, C>T on the plus strand (G>A on the coding strand, the complement: POLG is on the minus strand). VCF-style: chr15-89321945-C-T. GRCh37 (hg19) VCF-style: chr15-89865176-C-T.
Other names: c.2480+17G>A (NM_001126131.2).
Identifiers: ClinVar variation 206466 (VCV000206466.10), dbSNP rs762669285, ClinGen allele CA316591.
Genomic context (GRCh38, chr15:89,321,945, plus strand): 5'-TAGCAGGGTGCTTTGGCCTTAGGACCTACCACCTCACCTCAGTTCTCCTATCCCTACAAC[C>T]ACTCAGCAGACCATACCTGATCACAGCACGGGGCAGAGCTGACCTGGGCAGCCACACCAC-3'

ClinVar aggregate classification (germline): Benign/Likely benign. Review status: criteria provided, multiple submitters, no conflicts (2 of 4 stars). 3 submissions from 3 submitters: Benign (1); Likely benign (2). Last evaluated 2026-01-11.

Conditions:
Progressive sclerosing poliodystrophy (MTDPS4A). Also called: ALPERS DIFFUSE DEGENERATION OF CEREBRAL GRAY MATTER WITH HEPATIC CIRRHOSIS; Alpers-Huttenlocher Syndrome; ALPERS PROGRESSIVE INFANTILE POLIODYSTROPHY; NEURONAL DEGENERATION OF CHILDHOOD WITH LIVER DISEASE, PROGRESSIVE; Mitochondrial DNA Depletion Syndrome 4A; Alpers-Huttenlocher Syndrome (AHS). Identifiers: Orphanet 726, MedGen C0205710, MONDO:0008758, OMIM 203700.

Allele frequency attached by ClinVar (database versions not stated): TOPMed 0.00006; ExAC 0.00007; gnomAD exomes 0.00007; gnomAD 0.00001.
gnomAD v4.1: 22 of 1,613,672 alleles (0.0014%); highest among the groups gnomAD compares: Admixed American, 0.037%; no homozygotes.

Submissions (3):

Labcorp Genetics (formerly Invitae), Labcorp
Classification: Likely benign for Progressive sclerosing poliodystrophy. Last evaluated: 2026-01-11. Review status: criteria provided, single submitter. Criteria: Invitae Variant Classification Sherloc (09022015). Collection method: clinical testing. Allele origin: germline.

Women's Health and Genetics/Laboratory Corporation of America, LabCorp
Classification: Likely benign. Last evaluated: 2024-02-19. Review status: criteria provided, single submitter. Criteria: LabCorp Variant Classification Summary - May 2015. Collection method: clinical testing. Allele origin: germline.

GeneDx
Classification: Benign. Last evaluated: 2014-06-18. Review status: criteria provided, single submitter. Criteria: GeneDx Variant Classification (06012015). Collection method: clinical testing. Allele origin: germline. Affected: yes.
Comment: This variant is considered likely benign or benign based on one or more of the following criteria: it is a conservative change, it occurs at a poorly conserved position in the protein, it is predicted to be benign by multiple in silico algorithms, and/or has population frequency not consistent with disease.